The following is an entry in ClinVar:

NM_014989.7(RIMS1):c.3463_3464delinsAG (p.Ala1155Arg)

Gene: RIMS1 (regulating synaptic membrane exocytosis 1; plus strand). Cytogenetic location: 6q13.
Variant type: Indel.
Coding change: c.3463_3464delinsAG on transcript NM_014989.7 (MANE Select); coding-DNA positions 3463 to 3464, GC replaced by AG.
Protein change: p.Ala1155Arg; replaces alanine 1155 with arginine.
Molecular consequence: missense variant. On other transcripts: intron variant (58).
Genome position (GRCh38, 1-based): chr6:72,274,413-72,274,414, GC replaced by AG. VCF-style: chr6-72274413-GC-AG. GRCh37 (hg19) VCF-style: chr6-72984116-GC-AG.
Other names: c.1690_1691delinsAG, p.Ala564Arg (NM_001350415.2, NM_001350445.2); c.1693_1694delinsAG, p.Ala565Arg (NM_001350433.2); c.1627_1628delinsAG, p.Ala543Arg (NM_001350435.2); c.1621_1622delinsAG, p.Ala541Arg (NM_001350437.2); c.1559+8364_1559+8365delinsAG (NM_001350428.2, NM_001350459.2, NM_001350424.2 and 1 more transcripts); c.1556+8364_1556+8365delinsAG (NM_001350430.2, NM_001350421.2, NM_001350450.2); c.1706+8364_1706+8365delinsAG (NM_001350458.2); c.1628+8364_1628+8365delinsAG (NM_001350446.2, NM_001350442.2, NM_001350416.2 and 7 more transcripts); and 20 more; short protein forms A1155R, A541R, A543R, A564R, A565R.
Identifiers: ClinVar variation 2132630 (VCV002132630.4), dbSNP rs2552158435, ClinGen allele CA2580075741.

ClinVar aggregate classification (germline): Uncertain significance (1 of 4 stars; one submission).

Submission:

Labcorp Genetics (formerly Invitae), Labcorp
Classification: Uncertain significance. Last evaluated: 2022-05-27. Review status: criteria provided, single submitter. Criteria: Invitae Variant Classification Sherloc (09022015). Collection method: clinical testing. Allele origin: germline.
Comment: This sequence change replaces alanine, which is neutral and non-polar, with arginine, which is basic and polar, at codon 1155 of the RIMS1 protein (p.Ala1155Arg). Information on the frequency of this variant in the gnomAD database is not available, as this variant may be reported differently in the database. This variant has not been reported in the literature in individuals affected with RIMS1-related conditions. Algorithms developed to predict the effect of missense changes on protein structure and function are either unavailable or do not agree on the potential impact of this missense change (SIFT: "Not Available"; PolyPhen-2: "Probably Damaging"; Align-GVGD: "Not Available"). In summary, the available evidence is currently insufficient to determine the role of this variant in disease. Therefore, it has been classified as a Variant of Uncertain Significance.